The following is an entry in ClinVar:

ClinVar aggregate classification (germline): Likely benign (1 of 4 stars; one submission).

Conditions:
TUBA4A-related disorder. Also called: TUBA4A-related condition.

gnomAD v4.1: 1 of 1,614,204 alleles (0.000062%); highest among the groups gnomAD compares: South Asian, 0.0011%; no homozygotes.

Submission:

PreventionGenetics, part of Exact Sciences
Classification: Likely benign for TUBA4A-related condition. Last evaluated: 2025-02-13. Review status: criteria provided, single submitter. Criteria: ACMG Guidelines, 2015. Collection method: clinical testing. Allele origin: germline.
Comment: This variant is classified as likely benign based on ACMG/AMP sequence variant interpretation guidelines (Richards et al. 2015 PMID: 25741868, with internal and published modifications).

NM_006000.3(TUBA4A):c.1146C>G (p.Thr382=)

Gene: TUBA4A (tubulin alpha 4a; minus strand). Cytogenetic location: 2q35.
Variant type: single nucleotide variant.
Coding change: c.1146C>G on transcript NM_006000.3 (MANE Select); coding-DNA position 1146, C replaced by G.
Protein change: p.Thr382=; no amino-acid change (threonine 382 retained).
Molecular consequence: synonymous variant.
Genome position (GRCh38, 1-based): chr2:219,250,553, G>C on the plus strand (C>G on the coding strand, the complement: TUBA4A is on the minus strand). VCF-style: chr2-219250553-G-C. GRCh37 (hg19) VCF-style: chr2-220115275-G-C.
Other names: c.1101C>G, p.Thr367= (NM_001278552.2).
Identifiers: ClinVar variation 4990093 (VCV004990093.1).